The following is an entry in ClinVar:

ClinVar aggregate classification (germline): Pathogenic (1 of 4 stars; one submission).

Conditions:
Hyperkalemic periodic paralysis. Also called: Familial hyperkalemic periodic paralysis; Gamstorp disease. Identifiers: Orphanet 682, MedGen C0238357, MONDO:0008224, OMIM 170500, HP:0007215.

Submission:

Labcorp Genetics (formerly Invitae), Labcorp
Classification: Pathogenic for Hyperkalemic periodic paralysis. Last evaluated: 2022-12-02. Review status: criteria provided, single submitter. Criteria: Invitae Variant Classification Sherloc (09022015). Collection method: clinical testing. Allele origin: germline.
Comment: For these reasons, this variant has been classified as Pathogenic. ClinVar contains an entry for this variant (Variation ID: 851213). This variant has not been reported in the literature in individuals affected with SCN4A-related conditions. This variant is not present in population databases (gnomAD no frequency). This sequence change creates a premature translational stop signal (p.Glu872Glyfs*7) in the SCN4A gene. It is expected to result in an absent or disrupted protein product. Loss-of-function variants in SCN4A are known to be pathogenic (PMID: 26700687).

Literature cited by the submitters: PubMed 26700687.

NM_000334.4(SCN4A):c.2614dup (p.Glu872fs)

Genes: GH-LCR (growth hormone locus control region; plus strand), SCN4A (sodium voltage-gated channel alpha subunit 4; minus strand). Cytogenetic location: 17q23.3.
Variant type: Duplication.
Coding change: c.2614dup on transcript NM_000334.4 (MANE Select); coding-DNA position 2614, one base duplicated (G; older notation c.2614dupG).
Protein change: p.Glu872fs; shifts the reading frame from glutamic acid 872.
Molecular consequence: frameshift variant.
Genome position (GRCh38, 1-based): chr17:63,951,663, C duplicated on the plus strand (G on the coding strand, the reverse complement: SCN4A is on the minus strand); the first of 5 consecutive C bases (chr17:63,951,663-63,951,667); duplicating any one gives the same sequence. VCF-style (leftmost placement, unchanged base first): chr17-63951662-T-TC. GRCh37 (hg19) VCF-style: chr17-62029022-T-TC.
Other names: short protein forms E872fs.
Identifiers: ClinVar variation 851213 (VCV000851213.8), dbSNP rs1908916380, ClinGen allele CA916083623.